The following is an entry in ClinVar:

NM_006129.5(BMP1):c.1111C>T (p.Arg371Cys)

Gene: BMP1 (bone morphogenetic protein 1; plus strand). Cytogenetic location: 8p21.3.
Variant type: single nucleotide variant.
Coding change: c.1111C>T on transcript NM_006129.5 (MANE Select); coding-DNA position 1111, C replaced by T.
Protein change: p.Arg371Cys; replaces arginine 371 with cysteine.
Molecular consequence: missense variant. On other transcripts: non-coding transcript variant (2).
Genome position (GRCh38, 1-based): chr8:22,192,082, C>T. VCF-style: chr8-22192082-C-T. GRCh37 (hg19) VCF-style: chr8-22049595-C-T.
Other names: c.1111C>T, p.Arg371Cys (NM_001199.4); short protein forms R371C.
Identifiers: ClinVar variation 4083471 (VCV004083471.1).

ClinVar aggregate classification (germline): Uncertain significance (1 of 4 stars; one submission).

Submission:

GeneDx
Classification: Uncertain significance. Last evaluated: 2025-03-06. Review status: criteria provided, single submitter. Criteria: GeneDx Variant Classification Process June 2021. Collection method: clinical testing. Allele origin: germline. Affected: yes.
Comment: In silico analysis supports that this missense variant has a deleterious effect on protein structure/function; Has not been previously published as pathogenic or benign to our knowledge